The following is an entry in ClinVar:

ClinVar aggregate classification (germline): Benign. Review status: criteria provided, multiple submitters, no conflicts (2 of 4 stars). 9 submissions from 8 submitters: Benign (7). 2 of the submissions do not count toward it. Last evaluated 2026-02-03.

Conditions:
Ullrich congenital muscular dystrophy 1A. Also called: Ullrich congenital muscular dystrophy 1; Intermediate COL6-RD. Identifiers: Orphanet 75840, MedGen C0410179, MONDO:0009681, OMIM 254090.
Bethlem myopathy 1A. Also called: Bethlem myopathy 1; Bethlem Muscular Dystrophy; MYOPATHY, BENIGN CONGENITAL, WITH CONTRACTURES. Identifiers: Orphanet 610, MedGen CN029274, MONDO:0024530, OMIM 158810.

Allele frequency attached by ClinVar (database versions not stated): 1000 Genomes Project 0.11242; TOPMed 0.17636; ExAC 0.18468; 1000 Genomes Project 30x 0.11618; ESP Exome Variant Server 0.18643.
gnomAD v4.1: 347,418 of 1,551,888 alleles (22%); highest among the groups gnomAD compares: Non-Finnish European, 25%; 42,114 homozygotes.

Submissions (9):

Labcorp Genetics (formerly Invitae), Labcorp
Classification: Benign for Bethlem myopathy 1A. Last evaluated: 2026-02-03. Review status: criteria provided, single submitter. Criteria: Invitae Variant Classification Sherloc (09022015). Collection method: clinical testing. Allele origin: germline.

Genome-Nilou Lab
Classification: Benign for Bethlem myopathy 1A. Last evaluated: 2021-07-30. Review status: criteria provided, single submitter. Criteria: ACMG Guidelines, 2015. Collection method: clinical testing. Allele origin: germline. Affected: no.

Genome-Nilou Lab
Classification: Benign for Ullrich congenital muscular dystrophy 1A. Last evaluated: 2021-07-30. Review status: criteria provided, single submitter. Criteria: ACMG Guidelines, 2015. Collection method: clinical testing. Allele origin: germline. Affected: no.

GeneDx
Classification: Benign. Last evaluated: 2016-01-05. Review status: criteria provided, single submitter. Criteria: GeneDx Variant Classification (06012015). Collection method: clinical testing. Allele origin: germline. Affected: yes.
Comment: This variant is considered likely benign or benign based on one or more of the following criteria: it is a conservative change, it occurs at a poorly conserved position in the protein, it is predicted to be benign by multiple in silico algorithms, and/or has population frequency not consistent with disease.

Eurofins Ntd Llc (ga)
Classification: Benign. Last evaluated: 2012-07-09. Review status: criteria provided, single submitter. Criteria: EGL Classification Definitions 2015. Collection method: clinical testing. Allele origin: germline. Observed: 32 variant alleles, 24 heterozygotes, 8 homozygotes.

Breakthrough Genomics
Classification: Benign. Review status: criteria provided, single submitter. Criteria: ACMG Guidelines, 2015. Collection method: not provided. Allele origin: germline. Inheritance: Autosomal recessive inheritance. Affected: yes.

PreventionGenetics, part of Exact Sciences
Classification: Benign. Review status: criteria provided, single submitter. Criteria: ACMG Guidelines, 2015. Collection method: clinical testing. Allele origin: germline.

Clinical Genetics, Academic Medical Center
Classification: Benign. Review status: no assertion criteria provided. Collection method: clinical testing. Allele origin: germline. Affected: yes. Study: VKGL Data-share Consensus. Not counted in ClinVar's aggregate classification.

Joint Genome Diagnostic Labs from Nijmegen and Maastricht, Radboudumc and MUMC+
Classification: Benign. Review status: no assertion criteria provided. Collection method: clinical testing. Allele origin: germline. Affected: yes. Study: VKGL Data-share Consensus. Not counted in ClinVar's aggregate classification.

NM_001848.3(COL6A1):c.429-19G>A

Gene: COL6A1 (collagen type VI alpha 1 chain; plus strand). Cytogenetic location: 21q22.3.
Variant type: single nucleotide variant.
Coding change: c.429-19G>A on transcript NM_001848.3 (MANE Select); 19 bases into the intron before coding-DNA position 429, G replaced by A.
Molecular consequence: intron variant.
Genome position (GRCh38, 1-based): chr21:45,986,507, G>A. VCF-style: chr21-45986507-G-A. GRCh37 (hg19) VCF-style: chr21-47406421-G-A.
Identifiers: ClinVar variation 93876 (VCV000093876.20), dbSNP rs741956, ClinGen allele CA147409.